The following is an entry in ClinVar:

ClinVar aggregate classification (germline): Uncertain significance. Review status: criteria provided, multiple submitters, no conflicts (2 of 4 stars). 2 submissions from 2 submitters: Uncertain significance (2). Last evaluated 2025-04-14.

Conditions:
Hereditary cancer-predisposing syndrome. Also called: Neoplastic Syndromes, Hereditary; Tumor predisposition; Hereditary Cancer Syndrome; Hereditary neoplastic syndrome. Identifiers: Orphanet 140162, MedGen C0027672, MeSH D009386, MONDO:0015356.
Hereditary breast ovarian cancer syndrome. Also called: Hereditary breast and ovarian cancer syndrome; BRCA1- and BRCA2-Associated Hereditary Breast and Ovarian Cancer; Breast and ovarian cancer; Hereditary breast and/or ovarian cancer syndrome; Hereditary breast and ovarian cancer; Hereditary breast and ovarian cancer syndrome (HBOC). Identifiers: Orphanet 145, MedGen C0677776, MeSH D061325, MONDO:0003582. Disease mechanism: loss of function.

Submissions (2):

Ambry Genetics
Classification: Uncertain significance for Hereditary cancer-predisposing syndrome. Last evaluated: 2025-04-14. Review status: criteria provided, single submitter. Criteria: Ambry Variant Classification Scheme 2023. Collection method: clinical testing. Allele origin: germline.
Comment: The p.D1398Y variant (also known as c.4192G>T), located in coding exon 11 of the BRCA1 gene, results from a G to T substitution at nucleotide position 4192. The aspartic acid at codon 1398 is replaced by tyrosine, an amino acid with highly dissimilar properties. This amino acid position is well conserved in available vertebrate species. In addition, this alteration is predicted to be deleterious by in silico analysis. Based on the available evidence, the clinical significance of this variant remains unclear.

Labcorp Genetics (formerly Invitae), Labcorp
Classification: Uncertain significance for Hereditary breast ovarian cancer syndrome. Last evaluated: 2024-04-11. Review status: criteria provided, single submitter. Criteria: Invitae Variant Classification Sherloc (09022015). Collection method: clinical testing. Allele origin: germline.
Comment: This sequence change replaces aspartic acid, which is acidic and polar, with tyrosine, which is neutral and polar, at codon 1398 of the BRCA1 protein (p.Asp1398Tyr). This variant is not present in population databases (gnomAD no frequency). This variant has not been reported in the literature in individuals affected with BRCA1-related conditions. ClinVar contains an entry for this variant (Variation ID: 233320). Advanced modeling of protein sequence and biophysical properties (such as structural, functional, and spatial information, amino acid conservation, physicochemical variation, residue mobility, and thermodynamic stability) has been performed at Invitae for this missense variant, however the output from this modeling did not meet the statistical confidence thresholds required to predict the impact of this variant on BRCA1 protein function. In summary, the available evidence is currently insufficient to determine the role of this variant in disease. Therefore, it has been classified as a Variant of Uncertain Significance.

NM_007294.4(BRCA1):c.4192G>T (p.Asp1398Tyr)

Gene: BRCA1 (BRCA1 DNA repair associated; minus strand). Cytogenetic location: 17q21.31.
Variant type: single nucleotide variant.
Coding change: c.4192G>T on transcript NM_007294.4 (MANE Select); coding-DNA position 4192, G replaced by T.
Protein change: p.Asp1398Tyr; replaces aspartic acid 1398 with tyrosine.
Molecular consequence: missense variant. On other transcripts: non-coding transcript variant (1).
Genome position (GRCh38, 1-based): chr17:43,082,569, C>A on the plus strand (G>T on the coding strand, the complement: BRCA1 is on the minus strand). VCF-style: chr17-43082569-C-A. GRCh37 (hg19) VCF-style: chr17-41234586-C-A.
Other names: c.757G>T, p.Asp253Tyr (NM_001408444.1, NM_001408445.1, NM_001408446.1 and 10 more transcripts); c.748G>T, p.Asp250Tyr (NM_001408451.1); c.742G>T, p.Asp248Tyr (NM_001408452.1, NM_001408453.1, NM_001408454.1 and 8 more transcripts); c.739G>T, p.Asp247Tyr (NM_001408462.1, NM_001408463.1, NM_001408464.1 and 5 more transcripts); c.736G>T, p.Asp246Tyr (NM_001408470.1); c.880G>T, p.Asp294Tyr (NM_001408472.1, NM_001408473.1, NM_001407972.1 and 18 more transcripts); c.682G>T, p.Asp228Tyr (NM_001408474.1, NM_001408476.1); c.679G>T, p.Asp227Tyr (NM_001408475.1); and 51 more; short protein forms D1398Y, D1351Y, D295Y, D1270Y, D1327Y, D1330Y, D1350Y, D1355Y.
Identifiers: ClinVar variation 233320 (VCV000233320.17), dbSNP rs876660331, ClinGen allele CA10580531.